The following is an entry in ClinVar:

NM_000179.3(MSH6):c.3861T>C (p.Tyr1287=)

Gene: MSH6 (mutS homolog 6; plus strand). Cytogenetic location: 2p16.3.
Variant type: single nucleotide variant.
Coding change: c.3861T>C on transcript NM_000179.3 (MANE Select); coding-DNA position 3861, T replaced by C.
Protein change: p.Tyr1287=; no amino-acid change (tyrosine 1287 retained).
Molecular consequence: synonymous variant.
Genome position (GRCh38, 1-based): chr2:47,806,511, T>C. VCF-style: chr2-47806511-T-C. GRCh37 (hg19) VCF-style: chr2-48033650-T-C.
Other names: c.3471T>C, p.Tyr1157= (NM_001281492.2); c.2955T>C, p.Tyr985= (NM_001281493.2, NM_001281494.2).
Identifiers: ClinVar variation 416135 (VCV000416135.19), dbSNP rs1060504739, ClinGen allele CA16610952.

ClinVar aggregate classification (germline): Conflicting classifications of pathogenicity. Review status: criteria provided, conflicting classifications (1 of 4 stars). 5 submissions from 5 submitters: Uncertain significance (1); Benign (1); Likely benign (3). Last evaluated 2025-02-11.

Conditions:
Lynch syndrome 5 (LYNCH5). Also called: Colorectal cancer, hereditary nonpolyposis, type 5; Hereditary non-polyposis colorectal cancer, type 5. Identifiers: Orphanet 144, MedGen C1833477, MONDO:0013710, OMIM 614350. Disease mechanism: loss of function.
Hereditary cancer-predisposing syndrome. Also called: Tumor predisposition; Neoplastic Syndromes, Hereditary; Hereditary neoplastic syndrome; Hereditary Cancer Syndrome. Identifiers: Orphanet 140162, MedGen C0027672, MeSH D009386, MONDO:0015356.
Hereditary nonpolyposis colorectal neoplasms. Identifiers: MedGen C0009405, MeSH D003123.
Lynch syndrome. Identifiers: Orphanet 144, MedGen C4552100, MONDO:0005835. Disease mechanism: loss of function.

Allele frequency attached by ClinVar (database versions not stated): gnomAD exomes below 0.00001.
gnomAD v4.1: 1 of 1,614,068 alleles (0.000062%); highest among the groups gnomAD compares: Non-Finnish European, 0.000085%; no homozygotes.

Submissions (5):

Labcorp Genetics (formerly Invitae), Labcorp
Classification: Likely benign for Hereditary nonpolyposis colorectal neoplasms. Last evaluated: 2025-02-11. Review status: criteria provided, single submitter. Criteria: Invitae Variant Classification Sherloc (09022015). Collection method: clinical testing. Allele origin: germline.

Myriad Genetics, Inc.
Classification: Benign for Lynch syndrome 5. Last evaluated: 2025-01-08. Review status: criteria provided, single submitter. Criteria: Myriad Autosomal Dominant, Autosomal Recessive and X-Linked Classification Criteria (2023). Collection method: clinical testing. Allele origin: unknown.
Comment: This variant is considered benign. This variant is a silent/synonymous amino acid change and it is not expected to impact splicing.

Quest Diagnostics Nichols Institute San Juan Capistrano
Classification: Uncertain significance. Last evaluated: 2023-11-10. Review status: criteria provided, single submitter. Criteria: Quest Diagnostics criteria. Collection method: clinical testing. Allele origin: unknown.
Comment: The MSH6 c.3861T>C (p.Tyr1287=) synonymous variant has not been reported in individuals with MSH6-related conditions in the published literature. It also has not been reported in large, multi-ethnic general populations (Genome Aggregation Database). Analysis of this variant using software algorithms for the prediction of the effect of nucleotide changes on splicing yielded predictions that this variant does not affect MSH6 mRNA splicing. Based on the available information, we are unable to determine the clinical significance of this variant.

All of Us Research Program, National Institutes of Health
Classification: Likely benign for Lynch syndrome. Last evaluated: 2023-06-26. Review status: criteria provided, single submitter. Criteria: ACMG Guidelines, 2015. Collection method: clinical testing. Allele origin: germline. Inheritance: Autosomal dominant inheritance. Observed: 1 variant allele, 1 heterozygote.
Comment: This study involves interpretation of variants in research participants for the purpose of population health screening. Participant phenotype was not available at the time of variant classification. Additional details can be found in publication PMID: 35346344, PMCID: PMC8962531

Ambry Genetics
Classification: Likely benign for Hereditary cancer-predisposing syndrome. Last evaluated: 2017-01-05. Review status: criteria provided, single submitter. Criteria: Ambry Variant Classification Scheme 2023. Collection method: clinical testing. Allele origin: germline.